The following is an entry in ClinVar:

NM_005502.4(ABCA1):c.2479A>T (p.Met827Leu)

Gene: ABCA1 (ATP binding cassette subfamily A member 1; minus strand). Cytogenetic location: 9q31.1.
Variant type: single nucleotide variant.
Coding change: c.2479A>T on transcript NM_005502.4 (MANE Select); coding-DNA position 2479, A replaced by T.
Protein change: p.Met827Leu; replaces methionine 827 with leucine.
Molecular consequence: missense variant.
Genome position (GRCh38, 1-based): chr9:104,825,746, T>A on the plus strand (A>T on the coding strand, the complement: ABCA1 is on the minus strand). VCF-style: chr9-104825746-T-A. GRCh37 (hg19) VCF-style: chr9-107588027-T-A.
Other names: short protein forms M827L.
Identifiers: ClinVar variation 1791875 (VCV001791875.2), dbSNP rs1396113456, ClinGen allele CA374321097.

ClinVar aggregate classification (germline): Uncertain significance (1 of 4 stars; one submission).

Conditions:
Cardiovascular phenotype. Identifiers: MedGen CN230736.

gnomAD v4.1: 1 of 1,614,090 alleles (0.000062%); highest among the groups gnomAD compares: African/African-American, 0.0013%; no homozygotes.

Submission:

Ambry Genetics
Classification: Uncertain significance for Cardiovascular phenotype. Last evaluated: 2022-01-17. Review status: criteria provided, single submitter. Criteria: Ambry Variant Classification Scheme 2023. Collection method: clinical testing. Allele origin: germline.
Comment: The p.M827L variant (also known as c.2479A>T), located in coding exon 16 of the ABCA1 gene, results from an A to T substitution at nucleotide position 2479. The methionine at codon 827 is replaced by leucine, an amino acid with highly similar properties. This amino acid position is conserved. In addition, this alteration is predicted to be tolerated by in silico analysis. Since supporting evidence is limited at this time, the clinical significance of this alteration remains unclear.